The following is an entry in ClinVar:

NM_019074.4(DLL4):c.490C>T (p.Leu164Phe)

Gene: DLL4 (delta like canonical Notch ligand 4; plus strand). Cytogenetic location: 15q15.1.
Variant type: single nucleotide variant.
Coding change: c.490C>T on transcript NM_019074.4 (MANE Select); coding-DNA position 490, C replaced by T.
Protein change: p.Leu164Phe; replaces leucine 164 with phenylalanine.
Molecular consequence: missense variant.
Genome position (GRCh38, 1-based): chr15:40,931,598, C>T. VCF-style: chr15-40931598-C-T. GRCh37 (hg19) VCF-style: chr15-41223796-C-T.
Other names: short protein forms L164F.
Identifiers: ClinVar variation 2645188 (VCV002645188.24), dbSNP rs1264865292, ClinGen allele CA391806863.
Genomic context (GRCh38, chr15:40,931,598, plus strand): 5'-GCCATCCAGGGCTCCCTAGCTGTGGGTCAGAACTGGTTATTGGATGAGCAAACCAGCACC[C>T]TCACAAGGCTGCGCTACTCTTACCGGGTCATCTGCAGTGACAACTACTATGGAGACAACT-3'
Protein context (NP_061947.1, residues 154-174): NWLLDEQTST[Leu164Phe]TRLRYSYRVI

ClinVar aggregate classification (germline): Uncertain significance (1 of 4 stars; one submission).

Allele frequency attached by ClinVar (database versions not stated): gnomAD 0.00001.
gnomAD v4.1: 4 of 1,612,956 alleles (0.00025%); highest among the groups gnomAD compares: Admixed American, 0.0033%; no homozygotes.

Submission:

CeGaT Center for Human Genetics Tuebingen
Classification: Uncertain significance. Last evaluated: 2023-07-01. Review status: criteria provided, single submitter. Criteria: CeGaT Center For Human Genetics Tuebingen Variant Classification Criteria Version 2. Collection method: clinical testing. Allele origin: germline. Affected: yes. Observed: 1 variant allele.
Comment: DLL4: PM2, PP2